The following is an entry in ClinVar:

NM_004260.4(RECQL4):c.1775C>G (p.Pro592Arg)

Gene: RECQL4 (RecQ like helicase 4; minus strand). Cytogenetic location: 8q24.3.
Variant type: single nucleotide variant.
Coding change: c.1775C>G on transcript NM_004260.4 (MANE Select); coding-DNA position 1775, C replaced by G.
Protein change: p.Pro592Arg; replaces proline 592 with arginine.
Molecular consequence: missense variant. On other transcripts: non-coding transcript variant (3), intron variant (3).
Genome position (GRCh38, 1-based): chr8:144,514,292, G>C on the plus strand (C>G on the coding strand, the complement: RECQL4 is on the minus strand). VCF-style: chr8-144514292-G-C. GRCh37 (hg19) VCF-style: chr8-145739676-G-C.
Other names: c.704C>G, p.Pro235Arg (NM_001413023.1, NM_001413024.1, NM_001413028.1 and 6 more transcripts); c.1646C>G, p.Pro549Arg (NM_001413025.1); c.638C>G, p.Pro213Arg (NM_001413027.1, NM_001413030.1, NM_001413032.1 and 1 more transcripts); c.1424C>G, p.Pro475Arg (NM_001413029.1); c.1705-62C>G (NM_001413033.1); c.568-62C>G (NM_001413031.1); c.634-62C>G (NM_001413037.1); c.1679C>G, p.Pro560Arg (NM_001413017.1, NM_001413020.1); and 4 more; short protein forms P103R, P213R, P225R, P560R, P475R, P582R, P235R, P592R.
Identifiers: ClinVar variation 4152372 (VCV004152372.1).
Genomic context (GRCh38, chr8:144,514,292, plus strand): 5'-TGGGAGAGGCAGTGGGCCTCATCAATGCAGGCAAAAGCAACTGGAGGCAGCTGTGCGGCT[G>C]GAGGGAGGCCTCCCGCCCCCACCAGTGCCTCAGGTGTCAGCATCAGCACGTGTACCTGGG-3'
Protein context (NP_004251.4, residues 582-602): EALVGAGGLP[Pro592Arg]AAQLPPVAFA

ClinVar aggregate classification (germline): Uncertain significance (1 of 4 stars; one submission).

Conditions:
Inborn genetic diseases. Identifiers: MedGen C0950123, MeSH D030342.

Submission:

Ambry Genetics
Classification: Uncertain significance for Inborn genetic diseases. Last evaluated: 2025-07-06. Review status: criteria provided, single submitter. Criteria: Ambry Variant Classification Scheme 2023. Collection method: clinical testing. Allele origin: germline.
Comment: The p.P592R variant (also known as c.1775C>G), located in coding exon 11 of the RECQL4 gene, results from a C to G substitution at nucleotide position 1775. The proline at codon 592 is replaced by arginine, an amino acid with dissimilar properties. This amino acid position is conserved. In addition, this alteration is predicted to be tolerated by in silico analysis. Based on the available evidence, the clinical significance of this variant remains unclear.